The following is an entry in ClinVar:

ClinVar aggregate classification (germline): Benign/Likely benign. Review status: criteria provided, multiple submitters, no conflicts (2 of 4 stars). 4 submissions from 4 submitters: Benign (1); Likely benign (3). Last evaluated 2025-09-05.

Conditions:
Hereditary cancer-predisposing syndrome. Also called: Hereditary neoplastic syndrome; Neoplastic Syndromes, Hereditary; Tumor predisposition; Hereditary Cancer Syndrome. Identifiers: Orphanet 140162, MedGen C0027672, MeSH D009386, MONDO:0015356.
Tuberous sclerosis syndrome (TSC). Also called: Tuberous Sclerosis Complex; Tuberous sclerosis. Identifiers: Orphanet 805, MedGen C0041341, MONDO:0001734.
Tuberous sclerosis 2 (TSC2). Identifiers: Orphanet 805, MedGen C1860707, MONDO:0013199, OMIM 613254.

gnomAD v4.1: 2 of 1,586,826 alleles (0.00013%); highest among the groups gnomAD compares: Middle Eastern, 0.017%; no homozygotes.

Submissions (4):

Color Diagnostics, LLC DBA Color Health
Classification: Likely benign for Tuberous sclerosis syndrome. Last evaluated: 2025-09-05. Review status: criteria provided, single submitter. Criteria: ACMG Guidelines, 2015. Collection method: clinical testing. Allele origin: germline.

Myriad Genetics, Inc.
Classification: Benign for Tuberous sclerosis 2. Last evaluated: 2025-05-12. Review status: criteria provided, single submitter. Criteria: Myriad Autosomal Dominant, Autosomal Recessive and X-Linked Classification Criteria (2023). Collection method: clinical testing. Allele origin: unknown.
Comment: This variant is considered benign. This variant is a silent/synonymous amino acid change and it is not expected to impact splicing.

Labcorp Genetics (formerly Invitae), Labcorp
Classification: Likely benign for Tuberous sclerosis 2. Last evaluated: 2023-07-10. Review status: criteria provided, single submitter. Criteria: Invitae Variant Classification Sherloc (09022015). Collection method: clinical testing. Allele origin: germline.

Ambry Genetics
Classification: Likely benign for Hereditary cancer-predisposing syndrome. Last evaluated: 2022-05-16. Review status: criteria provided, single submitter. Criteria: Ambry Variant Classification Scheme 2023. Collection method: clinical testing. Allele origin: germline.

NM_000548.5(TSC2):c.867G>T (p.Ala289=)

Gene: TSC2 (TSC complex subunit 2; plus strand). Cytogenetic location: 16p13.3.
Variant type: single nucleotide variant.
Coding change: c.867G>T on transcript NM_000548.5 (MANE Select); coding-DNA position 867, G replaced by T.
Protein change: p.Ala289=; no amino-acid change (alanine 289 retained).
Molecular consequence: synonymous variant.
Genome position (GRCh38, 1-based): chr16:2,058,765, G>T. VCF-style: chr16-2058765-G-T. GRCh37 (hg19) VCF-style: chr16-2108766-G-T.
Other names: c.867G>T, p.Ala289= (NM_001077183.3, NM_001114382.3, NM_001363528.2 and 3 more transcripts); c.756G>T, p.Ala252= (NM_001318827.2); c.720G>T, p.Ala240= (NM_001318829.2); c.267G>T, p.Ala89= (NM_001318831.2); c.900G>T, p.Ala300= (NM_001318832.2).
Identifiers: ClinVar variation 468191 (VCV000468191.16), dbSNP rs375163125, ClinGen allele CA056638.